The following is an entry in ClinVar:

ClinVar aggregate classification (germline): Pathogenic (1 of 4 stars; one submission).

Conditions:
Hypoparathyroidism, deafness, renal disease syndrome (HDRS). Also called: HYPOPARATHYROIDISM, SENSORINEURAL DEAFNESS, AND RENAL DYSPLASIA SYNDROME. Identifiers: Orphanet 2237, MedGen C1840333, MONDO:0007797, OMIM 146255.

Submission:

Variantyx, Inc.
Classification: Pathogenic for Hypoparathyroidism, deafness, renal disease syndrome. Last evaluated: 2025-11-07. Review status: criteria provided, single submitter. Criteria: Variantyx Assertion Criteria 2022. Collection method: clinical testing. Allele origin: de novo. Inheritance: Autosomal dominant inheritance. Affected: yes.
Comment: This is a nonsense variant in the GATA3 gene (OMIM: 131320). Pathogenic variants in this gene have been associated with autosomal dominant hypoparathyroidism, sensorineural deafness, and renal dysplasia. The alteration introduces a premature termination codon in exon 3 out of 6 and is expected to result in loss of function, which is a known disease mechanism for GATA3 in this disorder (PMID:14985365, 21242646) (PVS1). This variant is absent from control populations (PM2) and it has not been reported in individuals with GATA3-related disorders in the databases available for review. Based on the current evidence, this variant is classified as pathogenic for autosomal dominant hypoparathyroidism, sensorineural deafness, and renal dysplasia.

Literature cited by the submitters: PubMed 14985365; PubMed 21242646.

NM_001002295.2(GATA3):c.399C>G (p.Tyr133Ter)

Gene: GATA3 (GATA binding protein 3; plus strand). Cytogenetic location: 10p14.
Variant type: single nucleotide variant.
Coding change: c.399C>G on transcript NM_001002295.2 (MANE Select); coding-DNA position 399, C replaced by G.
Protein change: p.Tyr133Ter; replaces tyrosine 133 with a stop codon.
Molecular consequence: nonsense.
Genome position (GRCh38, 1-based): chr10:8,058,462, C>G. VCF-style: chr10-8058462-C-G. GRCh37 (hg19) VCF-style: chr10-8100425-C-G.
Other names: c.399C>G, p.Tyr133Ter (NM_001441115.1, NM_001441116.1, NM_001441117.1 and 18 more transcripts); short protein forms Y133*.
Identifiers: ClinVar variation 4813791 (VCV004813791.1).
Genomic context (GRCh38, chr10:8,058,462, plus strand): 5'-TCTCAGCCCCTTCTCCAAGACGTCCATCCACCACGGCTCCCCGGGGCCCCTCTCCGTCTA[C>G]CCCCCGGCCTCGTCCTCCTCCTTGTCGGGGGGCCACGCCAGCCCGCACCTCTTCACCTTC-3'